The following is an entry in ClinVar:

NM_000441.2(SLC26A4):c.1668del (p.Phe555_Tyr556insTer)

Gene: SLC26A4 (solute carrier family 26 member 4; plus strand). Cytogenetic location: 7q22.3.
Variant type: Deletion.
Coding change: c.1668del on transcript NM_000441.2 (MANE Select); coding-DNA position 1668, one base deleted (T; older notation c.1668delT).
Protein change: p.Phe555_Tyr556insTer.
Molecular consequence: nonsense.
Genome position (GRCh38, 1-based): chr7:107,700,136, T deleted. VCF-style (leftmost placement, unchanged base first): chr7-107700135-AT-A. GRCh37 (hg19) VCF-style: chr7-107340580-AT-A.
Identifiers: ClinVar variation 1452875 (VCV001452875.8), dbSNP rs2129317908, ClinGen allele CA2573141448.

ClinVar aggregate classification (germline): Pathogenic (1 of 4 stars; one submission).

Submission:

Labcorp Genetics (formerly Invitae), Labcorp
Classification: Pathogenic. Last evaluated: 2021-05-12. Review status: criteria provided, single submitter. Criteria: Invitae Variant Classification Sherloc (09022015). Collection method: clinical testing. Allele origin: germline.
Comment: Algorithms developed to predict the effect of sequence changes on RNA splicing suggest that this variant may create or strengthen a splice site, but this prediction has not been confirmed by published transcriptional studies. This sequence change creates a premature translational stop signal (p.Tyr556*) in the SLC26A4 gene. It is expected to result in an absent or disrupted protein product. Loss-of-function variants in SLC26A4 are known to be pathogenic (PMID: 16283880, 25394566, 26252218, 26445815). This variant is not present in population databases (ExAC no frequency). This nonsense change has been observed in individual(s) with SLC26A4-related conditions (PMID: 29434063) For these reasons, this variant has been classified as Pathogenic.

Literature cited by the submitters: PubMed 16283880; PubMed 25394566; PubMed 26252218; PubMed 26445815; PubMed 29434063.